The following is an entry in ClinVar:

NM_001371623.1(TCOF1):c.2575C>G (p.Gln859Glu)

Gene: TCOF1 (treacle ribosome biogenesis factor 1; plus strand). Cytogenetic location: 5q32.
Variant type: single nucleotide variant.
Coding change: c.2575C>G on transcript NM_001371623.1 (MANE Select); coding-DNA position 2575, C replaced by G.
Protein change: p.Gln859Glu; replaces glutamine 859 with glutamic acid.
Molecular consequence: missense variant.
Genome position (GRCh38, 1-based): chr5:150,379,325, C>G. VCF-style: chr5-150379325-C-G. GRCh37 (hg19) VCF-style: chr5-149758888-C-G.
Other names: c.2344C>G, p.Gln782Glu (NM_000356.4, NM_001135245.2); c.2575C>G, p.Gln859Glu (NM_001008657.3, NM_001135243.2, NM_001135244.2 and 1 more transcripts); short protein forms Q782E, Q859E.
Identifiers: ClinVar variation 225484 (VCV000225484.6), dbSNP rs201043592, ClinGen allele CA3511203.
Genomic context (GRCh38, chr5:150,379,325, plus strand): 5'-GTCTTGGCGAGGGGCCCAGCATCTGTGCCATCTGTGGGGAAGGCCGTGGCTACAGCAGCT[C>G]AGGCCCAGACAGGGCCAGAGGAGGACTCAGGGAGCAGTGAGGAGGAGTCAGACAGTGAGG-3'
Protein context (NP_001358552.1, residues 849-869): SVGKAVATAA[Gln859Glu]AQTGPEEDSG

ClinVar aggregate classification (germline): Conflicting classifications of pathogenicity. Review status: criteria provided, conflicting classifications (1 of 4 stars). 3 submissions from 3 submitters: Uncertain significance (1); Likely benign (2). Last evaluated 2025-09-23.

Conditions:
Treacher Collins syndrome 1 (TCS1). Also called: TCOF1-Related Treacher Collins Syndrome. Identifiers: Orphanet 861, MedGen CN315775, MONDO:0007944, OMIM 154500.

Allele frequency attached by ClinVar (database versions not stated): TOPMed 0.00005; gnomAD exomes 0.00007 and 0.00011; gnomAD 0.00004 and 0.00005; ExAC 0.00009; 1000 Genomes Project 30x 0.00016; 1000 Genomes Project 0.00020.
gnomAD v4.1: 102 of 1,614,224 alleles (0.0063%); highest among the groups gnomAD compares: East Asian, 0.23%; 1 homozygote.

Submissions (3):

Labcorp Genetics (formerly Invitae), Labcorp
Classification: Likely benign for Treacher Collins syndrome 1. Last evaluated: 2025-09-23. Review status: criteria provided, single submitter. Criteria: Invitae Variant Classification Sherloc (09022015). Collection method: clinical testing. Allele origin: germline.

GeneDx
Classification: Likely benign. Last evaluated: 2019-12-06. Review status: criteria provided, single submitter. Criteria: GeneDx Variant Classification Process June 2021. Collection method: clinical testing. Allele origin: germline. Affected: yes.
Comment: See Variant Classification Assertion Criteria.

Soonchunhyang University Bucheon Hospital, Soonchunhyang University Medical Center
Classification: Uncertain significance for Treacher Collins syndrome 1. Last evaluated: 2016-03-18. Review status: criteria provided, single submitter. Criteria: ACMG Guidelines, 2015. Collection method: reference population. Allele origin: germline. Observed: 1 variant allele.

Literature cited by the submitters: PubMed 23967202 (cited by Soonchunhyang University Bucheon Hospital, Soonchunhyang University Medical Center).